The following is an entry in ClinVar:

ClinVar aggregate classification (germline): Conflicting classifications of pathogenicity. Review status: criteria provided, conflicting classifications (1 of 4 stars). 2 submissions from 2 submitters: Pathogenic (1); Uncertain significance (1). Last evaluated 2024-04-16.

Submissions (2):

GeneDx
Classification: Pathogenic. Last evaluated: 2024-04-16. Review status: criteria provided, single submitter. Criteria: GeneDx Variant Classification Process June 2021. Collection method: clinical testing. Allele origin: germline. Affected: yes.
Comment: Canonical splice site variant predicted to result in a null allele in a gene for which loss of function is a known mechanism of disease; Not observed at significant frequency in large population cohorts (gnomAD); Has not been previously published as pathogenic or benign to our knowledge

Laboratory for Molecular Medicine, Mass General Brigham Personalized Medicine
Classification: Uncertain significance. Last evaluated: 2016-07-26. Review status: criteria provided, single submitter. Criteria: LMM Criteria. Collection method: clinical testing. Allele origin: germline.
Comment: Variant identified in a genome or exome case(s) and assessed due to predicted null impact of the variant or pathogenic assertions in the literature or databases. Disclaimer: This variant has not undergone full assessment. The following are preliminary notes: Impacts splice donor site of penultimate exon, likely escapes NMD

NM_001005242.3(PKP2):c.2445+1G>A

Gene: PKP2 (plakophilin 2; minus strand). Cytogenetic location: 12p11.21.
Variant type: single nucleotide variant.
Coding change: c.2445+1G>A on transcript NM_001005242.3 (MANE Select); the canonical splice donor site of the intron after coding-DNA position 2445, G replaced by A.
Molecular consequence: splice donor variant.
Genome position (GRCh38, 1-based): chr12:32,792,643, C>T on the plus strand (G>A on the coding strand, the complement: PKP2 is on the minus strand). VCF-style: chr12-32792643-C-T. GRCh37 (hg19) VCF-style: chr12-32945577-C-T.
Other names: c.2280+1G>A (NM_001407156.1); c.2255+1G>A (NM_001407155.1); c.2577+1G>A (NM_004572.4); c.1928+1G>A (NM_001407160.1); c.2118+1G>A (NM_001407159.1, NM_001407158.1).
Identifiers: ClinVar variation 403314 (VCV000403314.5), dbSNP rs1060499891, ClinGen allele CA16609757.